The following is an entry in ClinVar:

ClinVar aggregate classification (germline): Uncertain significance. Review status: criteria provided, multiple submitters, no conflicts (2 of 4 stars). 2 submissions from 2 submitters: Uncertain significance (2). Last evaluated 2025-01-06.

Conditions:
TOPORS-related disorder. Also called: TOPORS-related condition.
Inborn genetic diseases. Identifiers: MedGen C0950123, MeSH D030342.

gnomAD v4.1: 16 of 1,613,594 alleles (0.00099%); highest among the groups gnomAD compares: East Asian, 0.018%; no homozygotes.

Submissions (2):

PreventionGenetics, part of Exact Sciences
Classification: Uncertain significance for TOPORS-related condition. Last evaluated: 2025-01-06. Review status: criteria provided, single submitter. Criteria: ACMG Guidelines, 2015. Collection method: clinical testing. Allele origin: germline.
Comment: The TOPORS c.1079G>A variant is predicted to result in the amino acid substitution p.Arg360Gln. To our knowledge, this variant has not been reported in the literature. This variant is reported in 0.045% of alleles in individuals of East Asian descent in gnomAD. At this time, the clinical significance of this variant is uncertain due to the absence of conclusive functional and genetic evidence.

Ambry Genetics
Classification: Uncertain significance for Inborn genetic diseases. Last evaluated: 2024-04-01. Review status: criteria provided, single submitter. Criteria: Ambry Variant Classification Scheme 2023. Collection method: clinical testing. Allele origin: germline.

NM_005802.5(TOPORS):c.1079G>A (p.Arg360Gln)

Gene: TOPORS (TOP1 binding arginine/serine rich protein, E3 ubiquitin ligase; minus strand). Cytogenetic location: 9p21.1.
Variant type: single nucleotide variant.
Coding change: c.1079G>A on transcript NM_005802.5 (MANE Select); coding-DNA position 1079, G replaced by A.
Protein change: p.Arg360Gln; replaces arginine 360 with glutamine.
Molecular consequence: missense variant.
Genome position (GRCh38, 1-based): chr9:32,543,446, C>T on the plus strand (G>A on the coding strand, the complement: TOPORS is on the minus strand). VCF-style: chr9-32543446-C-T. GRCh37 (hg19) VCF-style: chr9-32543444-C-T.
Other names: c.884G>A, p.Arg295Gln (NM_001195622.2); short protein forms R295Q, R360Q.
Identifiers: ClinVar variation 3328107 (VCV003328107.2).